The following is an entry in ClinVar:

NM_015338.6(ASXL1):c.2139G>A (p.Met713Ile)

Gene: ASXL1 (ASXL transcriptional regulator 1; plus strand). Cytogenetic location: 20q11.21.
Variant type: single nucleotide variant.
Coding change: c.2139G>A on transcript NM_015338.6 (MANE Select); coding-DNA position 2139, G replaced by A.
Protein change: p.Met713Ile; replaces methionine 713 with isoleucine.
Molecular consequence: missense variant.
Genome position (GRCh38, 1-based): chr20:32,434,851, G>A. VCF-style: chr20-32434851-G-A. GRCh37 (hg19) VCF-style: chr20-31022654-G-A.
Other names: c.1956G>A, p.Met652Ile (NM_001363734.1); short protein forms M652I, M713I.
Identifiers: ClinVar variation 3792206 (VCV003792206.1).

ClinVar aggregate classification (germline): Uncertain significance (1 of 4 stars; one submission).

Conditions:
Inborn genetic diseases. Identifiers: MedGen C0950123, MeSH D030342.

gnomAD v4.1: 1 of 1,614,158 alleles (0.000062%); highest among the groups gnomAD compares: South Asian, 0.0011%; no homozygotes.

Submission:

Ambry Genetics
Classification: Uncertain significance for Inborn genetic diseases. Last evaluated: 2025-01-13. Review status: criteria provided, single submitter. Criteria: Ambry Variant Classification Scheme 2023. Collection method: clinical testing. Allele origin: germline.
Comment: The p.M713I variant (also known as c.2139G>A), located in coding exon 13 of the ASXL1 gene, results from a G to A substitution at nucleotide position 2139. The methionine at codon 713 is replaced by isoleucine, an amino acid with highly similar properties. This amino acid position is conserved. In addition, this alteration is predicted to be tolerated by in silico analysis. Based on the available evidence, the clinical significance of this variant remains unclear.